The following is an entry in ClinVar:

ClinVar aggregate classification (germline): Uncertain significance (1 of 4 stars; one submission).

Submission:

GeneDx
Classification: Uncertain significance. Last evaluated: 2024-07-15. Review status: criteria provided, single submitter. Criteria: GeneDx Variant Classification Process June 2021. Collection method: clinical testing. Allele origin: germline. Affected: yes.
Comment: Not observed at significant frequency in large population cohorts (gnomAD); In silico analysis indicates that this missense variant does not alter protein structure/function; Has not been previously published as pathogenic or benign to our knowledge

NM_001020658.2(PUM1):c.2659C>G (p.Gln887Glu)

Genes: PUM1 (pumilio RNA binding family member 1; minus strand), LOC126805680 (BRD4-independent group 4 enhancer GRCh37_chr1:31424624-31425823; plus strand). Cytogenetic location: 1p35.2.
Variant type: single nucleotide variant.
Coding change: c.2659C>G on transcript NM_001020658.2 (MANE Select); coding-DNA position 2659, C replaced by G.
Protein change: p.Gln887Glu; replaces glutamine 887 with glutamic acid.
Molecular consequence: missense variant.
Genome position (GRCh38, 1-based): chr1:30,952,296, G>C on the plus strand (C>G on the coding strand, the complement: PUM1 is on the minus strand). VCF-style: chr1-30952296-G-C. GRCh37 (hg19) VCF-style: chr1-31425143-G-C.
Other names: c.2659C>G, p.Gln887Glu (NM_014676.3); short protein forms Q887E.
Identifiers: ClinVar variation 3573815 (VCV003573815.1).